The following is an entry in ClinVar:

NM_003001.5(SDHC):c.220A>G (p.Thr74Ala)

Gene: SDHC (succinate dehydrogenase complex subunit C; plus strand). Cytogenetic location: 1q23.3.
Variant type: single nucleotide variant.
Coding change: c.220A>G on transcript NM_003001.5 (MANE Select); coding-DNA position 220, A replaced by G.
Protein change: p.Thr74Ala; replaces threonine 74 with alanine.
Molecular consequence: missense variant.
Genome position (GRCh38, 1-based): chr1:161,340,634, A>G. VCF-style: chr1-161340634-A-G. GRCh37 (hg19) VCF-style: chr1-161310424-A-G.
Other names: c.220A>G, p.Thr74Ala (NM_001035511.3); c.118A>G, p.Thr40Ala (NM_001035512.3, NM_001278172.3, NM_001407118.1); c.61A>G, p.Thr21Ala (NM_001035513.3); c.340A>G, p.Thr114Ala (NM_001407115.1); c.163A>G, p.Thr55Ala (NM_001407116.1, NM_001407117.1, NM_001407121.1); c.109A>G, p.Thr37Ala (NM_001407119.1, NM_001407120.1); short protein forms T74A, T21A, T40A, T37A, T114A, T55A.
Identifiers: ClinVar variation 407055 (VCV000407055.15), dbSNP rs1060501391, ClinGen allele CA16609917.

ClinVar aggregate classification (germline): Uncertain significance. Review status: criteria provided, multiple submitters, no conflicts (2 of 4 stars). 6 submissions from 6 submitters: Uncertain significance (6). Last evaluated 2025-07-17.

Conditions:
SDHC-related disorder. Also called: SDHC-related condition.
Pheochromocytoma/paraganglioma syndrome 3. Also called: GLOMUS TUMORS, FAMILIAL, 3; SDHC-Related Hereditary Paraganglioma-Pheochromocytoma Syndrome (Paragangliomas 3); Paragangliomas 3; SDHC-Related Hereditary Paraganglioma-Pheochromocytoma Syndrome. Identifiers: Orphanet 29072, MedGen C1854336, MONDO:0011544, OMIM 605373.
Gastrointestinal stromal tumor. Also called: Gastrointestinal stromal tumor, somatic; Gastrointestinal stroma tumor. Identifiers: Orphanet 44890, MedGen C0238198, MeSH D046152, MONDO:0011719, OMIM 606764, HP:0100723.
Hereditary cancer-predisposing syndrome. Also called: Neoplastic Syndromes, Hereditary; Hereditary Cancer Syndrome; Hereditary neoplastic syndrome; Tumor predisposition. Identifiers: Orphanet 140162, MedGen C0027672, MeSH D009386, MONDO:0015356.
Hereditary pheochromocytoma and paraganglioma. Also called: Hereditary Paraganglioma-Pheochromocytoma Syndromes; Hereditary pheochromocytoma-paraganglioma; Hereditary paragangliomas and pheochromocytomas. Identifiers: Orphanet 29072, MedGen C4274332, MONDO:0017366.

Allele frequency attached by ClinVar (database versions not stated): gnomAD exomes below 0.00001.
gnomAD v4.1: 7 of 1,613,918 alleles (0.00043%); highest among the groups gnomAD compares: Non-Finnish European, 0.00051%; no homozygotes.

Submissions (6):

Color Diagnostics, LLC DBA Color Health
Classification: Uncertain significance for Hereditary pheochromocytoma and paraganglioma. Last evaluated: 2025-07-17. Review status: criteria provided, single submitter. Criteria: ACMG Guidelines, 2015. Collection method: clinical testing. Allele origin: germline.
Comment: This missense variant replaces threonine with alanine at codon 74 of the SDHC protein. Computational prediction suggests that this variant may have deleterious impact on protein structure and function. To our knowledge, functional studies have not been reported for this variant. This variant has not been reported in individuals affected with SDHC-related disorders in the literature. This variant has not been identified in the general population by the Genome Aggregation Database (gnomAD). The available evidence is insufficient to determine the role of this variant in disease conclusively. Therefore, this variant is classified as a Variant of Uncertain Significance.

Labcorp Genetics (formerly Invitae), Labcorp
Classification: Uncertain significance for Pheochromocytoma/paraganglioma syndrome 3; Gastrointestinal stromal tumor. Last evaluated: 2025-01-26. Review status: criteria provided, single submitter. Criteria: Invitae Variant Classification Sherloc (09022015). Collection method: clinical testing. Allele origin: germline.
Comment: This sequence change replaces threonine, which is neutral and polar, with alanine, which is neutral and non-polar, at codon 74 of the SDHC protein (p.Thr74Ala). This variant is not present in population databases (gnomAD no frequency). This variant has not been reported in the literature in individuals affected with SDHC-related conditions. ClinVar contains an entry for this variant (Variation ID: 407055). An algorithm developed to predict the effect of missense changes on protein structure and function (PolyPhen-2) suggests that this variant¬¨‚Ä†is likely to be tolerated. In summary, the available evidence is currently insufficient to determine the role of this variant in disease. Therefore, it has been classified as a Variant of Uncertain Significance.

Ambry Genetics
Classification: Uncertain significance for Hereditary cancer-predisposing syndrome. Last evaluated: 2024-12-14. Review status: criteria provided, single submitter. Criteria: Ambry Variant Classification Scheme 2023. Collection method: clinical testing. Allele origin: germline.
Comment: The p.T74A variant (also known as c.220A>G), located in coding exon 4 of the SDHC gene, results from an A to G substitution at nucleotide position 220. The threonine at codon 74 is replaced by alanine, an amino acid with similar properties. This amino acid position is conserved. In addition, this alteration is predicted to be deleterious by in silico analysis. Since supporting evidence is limited at this time, the clinical significance of this alteration remains unclear.

GeneDx
Classification: Uncertain significance. Last evaluated: 2023-12-26. Review status: criteria provided, single submitter. Criteria: GeneDx Variant Classification Process June 2021. Collection method: clinical testing. Allele origin: germline. Affected: yes.
Comment: Not observed at significant frequency in large population cohorts (gnomAD); In silico analysis supports that this missense variant has a deleterious effect on protein structure/function; Has not been previously published as pathogenic or benign to our knowledge

PreventionGenetics, part of Exact Sciences
Classification: Uncertain significance for SDHC-related condition. Last evaluated: 2023-06-02. Review status: criteria provided, single submitter. Criteria: ACMG Guidelines, 2015. Collection method: clinical testing. Allele origin: germline.
Comment: The SDHC c.220A>G variant is predicted to result in the amino acid substitution p.Thr74Ala. To our knowledge, this variant has not been reported in the literature or in a large population database, indicating this variant is rare. In ClinVar, this variant is interpreted as uncertain. At this time, the clinical significance of this variant is uncertain due to the absence of conclusive functional and genetic evidence.

All of Us Research Program, National Institutes of Health
Classification: Uncertain significance for Hereditary pheochromocytoma and paraganglioma. Last evaluated: 2023-04-27. Review status: criteria provided, single submitter. Criteria: ACMG Guidelines, 2015. Collection method: clinical testing. Allele origin: germline. Inheritance: Autosomal dominant inheritance. Observed: 1 variant allele, 1 heterozygote.
Comment: This study involves interpretation of variants in research participants for the purpose of population health screening. Participant phenotype was not available at the time of variant classification. Additional details can be found in publication PMID: 35346344, PMCID: PMC8962531